The following is an entry in ClinVar:

NM_022114.4(PRDM16):c.410T>A (p.Val137Glu)

Gene: PRDM16 (PR/SET domain 16; plus strand). Cytogenetic location: 1p36.32.
Variant type: single nucleotide variant.
Coding change: c.410T>A on transcript NM_022114.4 (MANE Select); coding-DNA position 410, T replaced by A.
Protein change: p.Val137Glu; replaces valine 137 with glutamic acid.
Molecular consequence: missense variant.
Genome position (GRCh38, 1-based): chr1:3,244,109, T>A. VCF-style: chr1-3244109-T-A. GRCh37 (hg19) VCF-style: chr1-3160673-T-A.
Other names: c.410T>A, p.Val137Glu (NM_199454.3); short protein forms V137E.
Identifiers: ClinVar variation 1057740 (VCV001057740.10), dbSNP rs1161500379, ClinGen allele CA338216063.

ClinVar aggregate classification (germline): Uncertain significance (1 of 4 stars; one submission).

Conditions:
Left ventricular noncompaction 8 (LVNC8). Identifiers: Orphanet 154, Orphanet 54260, MedGen C3809288, MONDO:0014152, OMIM 615373.

Submission:

Labcorp Genetics (formerly Invitae), Labcorp
Classification: Uncertain significance for Left ventricular noncompaction 8. Last evaluated: 2022-03-18. Review status: criteria provided, single submitter. Criteria: Invitae Variant Classification Sherloc (09022015). Collection method: clinical testing. Allele origin: germline.
Comment: This sequence change replaces valine, which is neutral and non-polar, with glutamic acid, which is acidic and polar, at codon 137 of the PRDM16 protein (p.Val137Glu). This variant is not present in population databases (gnomAD no frequency). This variant has not been reported in the literature in individuals affected with PRDM16-related conditions. ClinVar contains an entry for this variant (Variation ID: 1057740). Algorithms developed to predict the effect of missense changes on protein structure and function are either unavailable or do not agree on the potential impact of this missense change (SIFT: "Deleterious"; PolyPhen-2: "Benign"; Align-GVGD: "Class C0"). In summary, the available evidence is currently insufficient to determine the role of this variant in disease. Therefore, it has been classified as a Variant of Uncertain Significance.